The following is an entry in ClinVar:

NM_017534.6(MYH2):c.112G>A (p.Val38Ile)

Genes: MYHAS (myosin heavy chain gene cluster antisense RNA; plus strand), MYH2 (myosin heavy chain 2; minus strand). Cytogenetic location: 17p13.1.
Variant type: single nucleotide variant.
Coding change: c.112G>A on transcript NM_017534.6 (MANE Select); coding-DNA position 112, G replaced by A.
Protein change: p.Val38Ile; replaces valine 38 with isoleucine.
Molecular consequence: missense variant.
Genome position (GRCh38, 1-based): chr17:10,547,809, C>T on the plus strand (G>A on the coding strand, the complement: MYH2 is on the minus strand). VCF-style: chr17-10547809-C-T. GRCh37 (hg19) VCF-style: chr17-10451126-C-T.
Other names: c.112G>A, p.Val38Ile (NM_001100112.2); short protein forms V38I.
Identifiers: ClinVar variation 1051283 (VCV001051283.5), dbSNP rs1273237983, ClinGen allele CA398174066.
Genomic context (GRCh38, chr17:10,547,809, plus strand): 5'-CTCCTTCTCTGCTCTGGATGGTCCCTTTGACAAAGGATTCTTTGGGCTCCGCCACAAAGA[C>T]AGATGTTTTGGCATCAAAGGGCCTATTCTGGGCCTCAATGCGCTCCCTTTCAGACTTTCG-3'
Protein context (NP_060004.3, residues 28-48): QNRPFDAKTS[Val38Ile]FVAEPKESFV

ClinVar aggregate classification (germline): Uncertain significance (1 of 4 stars; one submission).

Conditions:
Myopathy, proximal, and ophthalmoplegia (CMYO6). Also called: INCLUSION BODY MYOPATHY 3, AUTOSOMAL DOMINANT; MYOPATHY WITH CONGENITAL JOINT CONTRACTURES, OPHTHALMOPLEGIA, AND RIMMED VACUOLES; CONGENITAL MYOPATHY 6 WITH OPHTHALMOPLEGIA. Identifiers: Orphanet 363677, Orphanet 79091, MedGen C1854106, MONDO:0011577, OMIM 605637.

Allele frequency attached by ClinVar (database versions not stated): gnomAD exomes below 0.00001 and 0.00001; gnomAD 0.00001.

Submission:

Labcorp Genetics (formerly Invitae), Labcorp
Classification: Uncertain significance for Myopathy, proximal, and ophthalmoplegia. Last evaluated: 2024-02-24. Review status: criteria provided, single submitter. Criteria: Invitae Variant Classification Sherloc (09022015). Collection method: clinical testing. Allele origin: germline.
Comment: This sequence change replaces valine, which is neutral and non-polar, with isoleucine, which is neutral and non-polar, at codon 38 of the MYH2 protein (p.Val38Ile). This variant is present in population databases (no rsID available, gnomAD 0.003%). This variant has not been reported in the literature in individuals affected with MYH2-related conditions. ClinVar contains an entry for this variant (Variation ID: 1051283). Advanced modeling of protein sequence and biophysical properties (such as structural, functional, and spatial information, amino acid conservation, physicochemical variation, residue mobility, and thermodynamic stability) performed at Invitae indicates that this missense variant is not expected to disrupt MYH2 protein function with a negative predictive value of 80%. In summary, the available evidence is currently insufficient to determine the role of this variant in disease. Therefore, it has been classified as a Variant of Uncertain Significance.